The following is an entry in ClinVar:

ClinVar aggregate classification (germline): Uncertain significance (1 of 4 stars; one submission).

Allele frequency attached by ClinVar (database versions not stated): gnomAD exomes below 0.00001; TOPMed 0.00001; gnomAD 0.00002.
gnomAD v4.1: 4 of 1,550,272 alleles (0.00026%); highest among the groups gnomAD compares: Middle Eastern, 0.017%; no homozygotes.

Submission:

Labcorp Genetics (formerly Invitae), Labcorp
Classification: Uncertain significance. Last evaluated: 2022-03-12. Review status: criteria provided, single submitter. Criteria: Invitae Variant Classification Sherloc (09022015). Collection method: clinical testing. Allele origin: germline.
Comment: This sequence change replaces glutamic acid, which is acidic and polar, with lysine, which is basic and polar, at codon 1726 of the ZNF469 protein (p.Glu1726Lys). This variant is present in population databases (no rsID available, gnomAD 0.01%). This variant has not been reported in the literature in individuals affected with ZNF469-related conditions. Algorithms developed to predict the effect of missense changes on protein structure and function output the following: SIFT: "Tolerated"; PolyPhen-2: "Benign"; Align-GVGD: "Class C0". The lysine amino acid residue is found in multiple mammalian species, which suggests that this missense change does not adversely affect protein function. In summary, the available evidence is currently insufficient to determine the role of this variant in disease. Therefore, it has been classified as a Variant of Uncertain Significance.

NM_001367624.2(ZNF469):c.5260G>A (p.Glu1754Lys)

Gene: ZNF469 (zinc finger protein 469; plus strand). Cytogenetic location: 16q24.2.
Variant type: single nucleotide variant.
Coding change: c.5260G>A on transcript NM_001367624.2 (MANE Select); coding-DNA position 5260, G replaced by A.
Protein change: p.Glu1754Lys; replaces glutamic acid 1754 with lysine.
Molecular consequence: missense variant.
Genome position (GRCh38, 1-based): chr16:88,432,730, G>A. VCF-style: chr16-88432730-G-A. GRCh37 (hg19) VCF-style: chr16-88499138-G-A.
Other names: short protein forms E1754K.
Identifiers: ClinVar variation 1962549 (VCV001962549.2), dbSNP rs959765303, ClinGen allele CA286377229.
Genomic context (GRCh38, chr16:88,432,730, plus strand): 5'-GATGCCGGGAGTTTAGCAAAGTGCAGCCCCGACCAGGAACTTTCATTTCCTAAGAATAAG[G>A]AGGCCGCCAGCTCACAAGAAAGTGAAGACTCCCTGCGGCTGCTTCCCTGTGAACAGAGAG-3'
Protein context (NP_001354553.1, residues 1744-1764): DQELSFPKNK[Glu1754Lys]AASSQESEDS